The following is an entry in ClinVar:

ClinVar aggregate classification (germline): Uncertain significance. Review status: criteria provided, multiple submitters, no conflicts (2 of 4 stars). 2 submissions from 2 submitters: Uncertain significance (2). Last evaluated 2022-05-04.

Conditions:
Inborn genetic diseases. Identifiers: MedGen C0950123, MeSH D030342.
Mosaic variegated aneuploidy syndrome 1 (MVA1). Also called: Warburton-Anyane-Yeboa syndrome. Identifiers: Orphanet 1052, MedGen C1850343, MONDO:0009759, OMIM 257300.

Allele frequency attached by ClinVar (database versions not stated): gnomAD exomes below 0.00001; TOPMed 0.00001.
gnomAD v4.1: 2 of 1,614,132 alleles (0.00012%); highest among the groups gnomAD compares: Non-Finnish European, 0.00017%; no homozygotes.

Submissions (2):

Ambry Genetics
Classification: Uncertain significance for Inborn genetic diseases. Last evaluated: 2022-05-04. Review status: criteria provided, single submitter. Criteria: Ambry Variant Classification Scheme 2023. Collection method: clinical testing. Allele origin: germline.
Comment: The p.L131V variant (also known as c.391T>G), located in coding exon 5 of the BUB1B gene, results from a T to G substitution at nucleotide position 391. The leucine at codon 131 is replaced by valine, an amino acid with highly similar properties. This amino acid position is conserved. In addition, this alteration is predicted to be tolerated by in silico analysis. Since supporting evidence is limited at this time, the clinical significance of this alteration remains unclear.

Labcorp Genetics (formerly Invitae), Labcorp
Classification: Uncertain significance for Mosaic variegated aneuploidy syndrome 1. Last evaluated: 2017-07-01. Review status: criteria provided, single submitter. Criteria: Invitae Variant Classification Sherloc (09022015). Collection method: clinical testing. Allele origin: germline.
Comment: In summary, the available evidence is currently insufficient to determine the role of this variant in disease. Therefore, it has been classified as a Variant of Uncertain Significance. Algorithms developed to predict the effect of sequence changes on RNA splicing suggest that this variant may create or strengthen a splice site, but this prediction has not been confirmed by published transcriptional studies. Algorithms developed to predict the effect of missense changes on protein structure and function (SIFT, PolyPhen-2, Align-GVGD) all suggest that this variant is likely to be tolerated, but these predictions have not been confirmed by published functional studies and their clinical significance is uncertain. This variant has not been reported in the literature in individuals with BUB1B-related disease. ClinVar contains an entry for this variant (Variation ID: 403739). This variant is not present in population databases (ExAC no frequency). This sequence change replaces leucine with valine at codon 131 of the BUB1B protein (p.Leu131Val). The leucine residue is weakly conserved and there is a small physicochemical difference between leucine and valine.

NM_001211.6(BUB1B):c.391T>G (p.Leu131Val)

Gene: BUB1B (BUB1 mitotic checkpoint serine/threonine kinase B; plus strand). Cytogenetic location: 15q15.1.
Variant type: single nucleotide variant.
Coding change: c.391T>G on transcript NM_001211.6 (MANE Select); coding-DNA position 391, T replaced by G.
Protein change: p.Leu131Val; replaces leucine 131 with valine.
Molecular consequence: missense variant.
Genome position (GRCh38, 1-based): chr15:40,176,483, T>G. VCF-style: chr15-40176483-T-G. GRCh37 (hg19) VCF-style: chr15-40468684-T-G.
Other names: short protein forms L131V.
Identifiers: ClinVar variation 403739 (VCV000403739.12), dbSNP rs946027171, ClinGen allele CA16614452.